The following is an entry in ClinVar:

ClinVar aggregate classification (germline): Pathogenic. Review status: criteria provided, multiple submitters, no conflicts (2 of 4 stars). 2 submissions from 2 submitters: Pathogenic (2). Last evaluated 2026-03-22.

Conditions:
Hereditary cancer-predisposing syndrome. Also called: Hereditary neoplastic syndrome; Tumor predisposition; Hereditary Cancer Syndrome; Neoplastic Syndromes, Hereditary. Identifiers: Orphanet 140162, MedGen C0027672, MeSH D009386, MONDO:0015356.
Familial cancer of breast. Also called: BREAST CANCER, FAMILIAL; Hereditary breast cancer; hereditary breast carcinoma. Identifiers: Orphanet 227535, MedGen C0346153, MONDO:0016419, OMIM 114480. Disease mechanism: loss of function.

Submissions (2):

Ambry Genetics
Classification: Pathogenic for Hereditary cancer-predisposing syndrome. Last evaluated: 2026-03-22. Review status: criteria provided, single submitter. Criteria: Ambry Variant Classification Scheme 2023. Collection method: clinical testing. Allele origin: germline.
Comment: The c.466dupT pathogenic mutation, located in coding exon 3 of the CHEK2 gene, results from a duplication of T at nucleotide position 466, causing a translational frameshift with a predicted alternate stop codon (p.Y156Lfs*30). This variant is considered to be rare based on population cohorts in the Genome Aggregation Database (gnomAD). This alteration is expected to result in loss of function by premature protein truncation or nonsense-mediated mRNA decay. As such, this alteration is interpreted as a disease-causing mutation.

Labcorp Genetics (formerly Invitae), Labcorp
Classification: Pathogenic for Familial cancer of breast. Last evaluated: 2024-12-24. Review status: criteria provided, single submitter. Criteria: Invitae Variant Classification Sherloc (09022015). Collection method: clinical testing. Allele origin: germline.
Comment: This sequence change creates a premature translational stop signal (p.Tyr156Leufs*30) in the CHEK2 gene. It is expected to result in an absent or disrupted protein product. Loss-of-function variants in CHEK2 are known to be pathogenic (PMID: 21876083, 24713400). This variant is not present in population databases (gnomAD no frequency). This variant has not been reported in the literature in individuals affected with CHEK2-related conditions. For these reasons, this variant has been classified as Pathogenic.

Literature cited by the submitters: PubMed 21876083 (cited by Labcorp Genetics (formerly Invitae), Labcorp); PubMed 24713400 (cited by Labcorp Genetics (formerly Invitae), Labcorp).

NM_007194.4(CHEK2):c.466dup (p.Tyr156fs)

Gene: CHEK2 (checkpoint kinase 2; minus strand). Cytogenetic location: 22q12.1.
Variant type: Duplication.
Coding change: c.466dup on transcript NM_007194.4 (MANE Select); coding-DNA position 466, one base duplicated (T; older notation c.466dupT).
Protein change: p.Tyr156fs; shifts the reading frame from tyrosine 156.
Molecular consequence: frameshift variant. On other transcripts: 5 prime UTR variant (2), intron variant (1).
Genome position (GRCh38, 1-based): chr22:28,725,103, A duplicated on the plus strand (T on the coding strand, the reverse complement: CHEK2 is on the minus strand); the first of 2 consecutive A bases (chr22:28,725,103-28,725,104); duplicating either gives the same sequence. VCF-style (leftmost placement, unchanged base first): chr22-28725102-T-TA. GRCh37 (hg19) VCF-style: chr22-29121090-T-TA.
Other names: c.595dup, p.Tyr199fs (NM_001005735.3, NM_001438294.1); c.-312dup (NM_001257387.3); c.-198dup (NM_001437942.1); c.559dup, p.Tyr187fs (NM_001438293.1, NM_001438295.1); c.466dup, p.Tyr156fs (NM_145862.3); c.444+140dup (NM_001349956.3); c.466dupT (NM_007194.3); short protein forms Y156fs, Y199fs, Y187fs.
Identifiers: ClinVar variation 3604069 (VCV003604069.3).